The following is an entry in ClinVar:

ClinVar aggregate classification (germline): Likely benign (1 of 4 stars; one submission).

gnomAD v4.1: 53 of 1,614,042 alleles (0.0033%); highest among the groups gnomAD compares: Non-Finnish European, 0.0043%; no homozygotes.

Submission:

Mayo Clinic Laboratories, Mayo Clinic
Classification: Likely benign. Last evaluated: 2025-11-02. Review status: criteria provided, single submitter. Criteria: ACMG Guidelines, 2015. Collection method: clinical testing. Allele origin: germline. Observed: 1 variant allele.
Comment: BP4, BP7

NM_015378.4(VPS13D):c.1890A>G (p.Thr630=)

Gene: VPS13D (vacuolar protein sorting 13 homolog D; plus strand). Cytogenetic location: 1p36.22.
Variant type: single nucleotide variant.
Coding change: c.1890A>G on transcript NM_015378.4 (MANE Select); coding-DNA position 1890, A replaced by G.
Protein change: p.Thr630=; no amino-acid change (threonine 630 retained).
Molecular consequence: synonymous variant.
Genome position (GRCh38, 1-based): chr1:12,268,794, A>G. VCF-style: chr1-12268794-A-G. GRCh37 (hg19) VCF-style: chr1-12328851-A-G.
Other names: p.Thr630=; c.1890A>G, p.Thr630= (NM_018156.4).
Identifiers: ClinVar variation 4684622 (VCV004684622.1).